The following is an entry in ClinVar:

ClinVar aggregate classification (germline): Uncertain significance (1 of 4 stars; one submission).

Conditions:
Inborn genetic diseases. Identifiers: MedGen C0950123, MeSH D030342.

gnomAD v4.1: 3 of 1,613,976 alleles (0.00019%); highest among the groups gnomAD compares: Non-Finnish European, 0.00025%; no homozygotes.

Submission:

Ambry Genetics
Classification: Uncertain significance for Inborn genetic diseases. Last evaluated: 2025-12-09. Review status: criteria provided, single submitter. Criteria: Ambry Variant Classification Scheme 2023. Collection method: clinical testing. Allele origin: germline.
Comment: The c.341C>G (p.A114G) alteration is located in exon 2 (coding exon 2) of the HESX1 gene. This alteration results from a C to G substitution at nucleotide position 341, causing the alanine (A) at amino acid position 114 to be replaced by a glycine (G). Based on data from gnomAD, the G allele has an overall frequency of <0.001% (1/251242) total alleles studied. The highest observed frequency was 0.001% (1/113554) of European (non-Finnish) alleles. Based on insufficient or conflicting evidence, the clinical significance of this alteration remains unclear.

NM_003865.3(HESX1):c.341C>G (p.Ala114Gly)

Gene: HESX1 (HESX homeobox 1; minus strand). Cytogenetic location: 3p14.3.
Variant type: single nucleotide variant.
Coding change: c.341C>G on transcript NM_003865.3 (MANE Select); coding-DNA position 341, C replaced by G.
Protein change: p.Ala114Gly; replaces alanine 114 with glycine.
Molecular consequence: missense variant.
Genome position (GRCh38, 1-based): chr3:57,198,769, G>C on the plus strand (C>G on the coding strand, the complement: HESX1 is on the minus strand). VCF-style: chr3-57198769-G-C. GRCh37 (hg19) VCF-style: chr3-57232797-G-C.
Other names: c.341C>G, p.Ala114Gly (NM_001376058.1, NM_001376059.1, NM_001376060.1 and 1 more transcripts); short protein forms A114G.
Identifiers: ClinVar variation 4621510 (VCV004621510.1).